The following is an entry in ClinVar:

ClinVar aggregate classification (germline): Uncertain significance (1 of 4 stars; one submission).

Submission:

GeneDx
Classification: Uncertain significance. Last evaluated: 2016-09-02. Review status: criteria provided, single submitter. Criteria: GeneDx Variant Classification (06012015). Collection method: clinical testing. Allele origin: germline. Affected: yes.
Comment: A novel variant of uncertain significance has been identified in the RYR2 gene. The D179N variant has not been published as a pathogenic variant, nor has it been reported as a benign variant to our knowledge. This variant was not observed in approximately 6,100 individuals of European and African American ancestry in the NHLBI Exome Sequencing Project, indicating it is not a common benign variant in these populations. D179N is a semi-conservative amino acid substitution, which may impact secondary protein structure as these residues differ in some properties. This substitution occurs at a position that is conserved across species and is located in one of the three hot-spot regions of the RYR2 gene, where the majority of pathogenic missense variants occur (Medeiros-Domingo et al., 2009). Consequently, in silico analysis predicts this variant is probably damaging to the protein structure/function. However, additional evidence such as segregation and functional data is necessary to fully assess the pathogenicity of this variant.

NM_001035.3(RYR2):c.535G>A (p.Asp179Asn)

Gene: RYR2 (ryanodine receptor 2; plus strand). Cytogenetic location: 1q43.
Variant type: single nucleotide variant.
Coding change: c.535G>A on transcript NM_001035.3 (MANE Select); coding-DNA position 535, G replaced by A.
Protein change: p.Asp179Asn; replaces aspartic acid 179 with asparagine.
Molecular consequence: missense variant.
Genome position (GRCh38, 1-based): chr1:237,377,394, G>A. VCF-style: chr1-237377394-G-A. GRCh37 (hg19) VCF-style: chr1-237540694-G-A.
Other names: p.D179N:GAT>AAT; c.535G>A, p.Asp179Asn (LRG_402t1); short protein forms D179N.
Identifiers: ClinVar variation 201196 (VCV000201196.2), dbSNP rs794728709, ClinGen allele CA009830.